The following is an entry in ClinVar:

ClinVar aggregate classification (germline): Uncertain significance (1 of 4 stars; one submission).

Conditions:
Early-infantile DEE. Also called: Early infantile epileptic encephalopathy; Ohtahara syndrome; Early infantile epileptic encephalopathy with suppression bursts. Identifiers: Orphanet 1934, MedGen C0393706, MONDO:0800491.

Submission:

Labcorp Genetics (formerly Invitae), Labcorp
Classification: Uncertain significance for Early-infantile DEE. Last evaluated: 2021-03-05. Review status: criteria provided, single submitter. Criteria: Invitae Variant Classification Sherloc (09022015). Collection method: clinical testing. Allele origin: germline.
Comment: This sequence change replaces serine with arginine at codon 175 of the CACNA2D2 protein (p.Ser175Arg). The serine residue is moderately conserved and there is a moderate physicochemical difference between serine and arginine. This variant is not present in population databases (ExAC no frequency). This variant has not been reported in the literature in individuals with CACNA2D2-related conditions. Algorithms developed to predict the effect of missense changes on protein structure and function are either unavailable or do not agree on the potential impact of this missense change (SIFT: "Tolerated"; PolyPhen-2: "Benign"; Align-GVGD: "Class C0"). In summary, the available evidence is currently insufficient to determine the role of this variant in disease. Therefore, it has been classified as a Variant of Uncertain Significance.

NM_006030.4(CACNA2D2):c.525T>G (p.Ser175Arg)

Gene: CACNA2D2 (calcium voltage-gated channel auxiliary subunit alpha2delta 2; minus strand). Cytogenetic location: 3p21.31.
Variant type: single nucleotide variant.
Coding change: c.525T>G on transcript NM_006030.4 (MANE Select); coding-DNA position 525, T replaced by G.
Protein change: p.Ser175Arg; replaces serine 175 with arginine.
Molecular consequence: missense variant.
Genome position (GRCh38, 1-based): chr3:50,384,323, A>C on the plus strand (T>G on the coding strand, the complement: CACNA2D2 is on the minus strand). VCF-style: chr3-50384323-A-C. GRCh37 (hg19) VCF-style: chr3-50421754-A-C.
Other names: c.525T>G, p.Ser175Arg (NM_001005505.3, NM_001174051.3); c.318T>G, p.Ser106Arg (NM_001291101.1); short protein forms S106R, S175R.
Identifiers: ClinVar variation 945314 (VCV000945314.7), dbSNP rs1705482371, ClinGen allele CA352944837.
Genomic context (GRCh38, chr3:50,384,323, plus strand): 5'-TGGGTCCTCGATGAAGTCCAGCCTTAGGGTGCTGGCCTTAGACCCCCTTTCCACATCCTC[A>C]CTCTCAGGGTCGTCCTGCAGAAAGGGCACCCCCGAGCAATGTCAGGGCTGGAAAATGGTG-3'
Protein context (NP_006021.2, residues 165-185): KADAELDDPE[Ser175Arg]EDVERGSKAS